The following is an entry in ClinVar:

ClinVar aggregate classification (germline): Likely benign (1 of 4 stars; one submission).

Conditions:
RAC3-related disorder. Also called: RAC3-related condition.

gnomAD v4.1: 7 of 913,010 alleles (0.00077%); highest among the groups gnomAD compares: African/African-American, 0.011%; no homozygotes.

Submission:

PreventionGenetics, part of Exact Sciences
Classification: Likely benign for RAC3-related condition. Last evaluated: 2025-02-25. Review status: criteria provided, single submitter. Criteria: ACMG Guidelines, 2015. Collection method: clinical testing. Allele origin: germline.
Comment: This variant is classified as likely benign based on ACMG/AMP sequence variant interpretation guidelines (Richards et al. 2015 PMID: 25741868, with internal and published modifications).

NM_005052.3(RAC3):c.35+8C>T

Gene: RAC3 (Rac family small GTPase 3; plus strand). Cytogenetic location: 17q25.3.
Variant type: single nucleotide variant.
Coding change: c.35+8C>T on transcript NM_005052.3 (MANE Select); 8 bases into the intron after coding-DNA position 35, C replaced by T.
Molecular consequence: intron variant.
Genome position (GRCh38, 1-based): chr17:82,031,804, C>T. VCF-style: chr17-82031804-C-T. GRCh37 (hg19) VCF-style: chr17-79989680-C-T.
Other names: c.35+8C>T (NM_001316307.2).
Identifiers: ClinVar variation 4982250 (VCV004982250.1).
Genomic context (GRCh38, chr17:82,031,804, plus strand): 5'-GCCGCCCGGCCCGCGCCCATGCAGGCCATCAAGTGCGTGGTGGTCGGCGACGGGTGAGTG[C>T]GCGGCCCGGAGGCCGCTTGGCTGGGCTGGGCGGGAGGGGGGCTCGGGGGCTCGGGGCGCA-3'